The following is an entry in ClinVar:

NM_015335.5(MED13L):c.5219A>T (p.Gln1740Leu)

Gene: MED13L (mediator complex subunit 13L; minus strand). Cytogenetic location: 12q24.21.
Variant type: single nucleotide variant.
Coding change: c.5219A>T on transcript NM_015335.5 (MANE Select); coding-DNA position 5219, A replaced by T.
Protein change: p.Gln1740Leu; replaces glutamine 1740 with leucine.
Molecular consequence: missense variant.
Genome position (GRCh38, 1-based): chr12:115,980,895, T>A on the plus strand (A>T on the coding strand, the complement: MED13L is on the minus strand). VCF-style: chr12-115980895-T-A. GRCh37 (hg19) VCF-style: chr12-116418700-T-A.
Other names: short protein forms Q1740L.
Identifiers: ClinVar variation 3032022 (VCV003032022.2), dbSNP rs754490654, ClinGen allele CA386880635.

ClinVar aggregate classification (germline): Uncertain significance (0 of 4 stars; one submission).

Conditions:
MED13L-related disorder. Also called: MED13L-related condition.

Submission:

PreventionGenetics, part of Exact Sciences
Classification: Uncertain significance for MED13L-related condition. Last evaluated: 2024-02-12. Review status: no assertion criteria provided. Collection method: clinical testing. Allele origin: germline.
Comment: The MED13L c.5219A>T variant is predicted to result in the amino acid substitution p.Gln1740Leu. To our knowledge, this variant has not been reported in the literature or in a large population database, indicating this variant is rare. At this time, the clinical significance of this variant is uncertain due to the absence of conclusive functional and genetic evidence.